The following is an entry in ClinVar:

NM_020975.6(RET):c.*1274G>C

Gene: RET (ret proto-oncogene; plus strand). Cytogenetic location: 10q11.21.
Variant type: single nucleotide variant.
Coding change: c.*1274G>C on transcript NM_020975.6 (MANE Select); 1274 bases downstream of the stop codon, G replaced by C.
Molecular consequence: 3 prime UTR variant. On other transcripts: synonymous variant (3).
Genome position (GRCh38, 1-based): chr10:43,129,543, G>C. VCF-style: chr10-43129543-G-C. GRCh37 (hg19) VCF-style: chr10-43624991-G-C.
Other names: c.*2789G>C (NM_001406794.1, NM_020630.7, NM_001355216.2 and 15 more transcripts); c.*42G>C (NM_001406743.1, NM_001406760.1, NM_001406761.1 and 5 more transcripts); c.3213G>C, p.Val1071= (NM_001406744.1); c.*1274G>C (NM_001406759.1, NM_001406762.1, NM_001406763.1 and 8 more transcripts); c.2487G>C, p.Val829= (NM_001406776.1); c.2316G>C, p.Val772= (NM_001406781.1).
Identifiers: ClinVar variation 4885594 (VCV004885594.2).
Genomic context (GRCh38, chr10:43,129,543, plus strand): 5'-TCTTGTCATTCTTCATTGCTTGTTTGTGGTCACAGATGCACAACACTCCTCCAGTCTTGT[G>C]GGGGCAGCTTTTGGGAAGTCTCAGCAGCTCTTCTGGCTGTGTTGTCAGCACTGTAACTTC-3'

ClinVar aggregate classification (germline): Uncertain significance (1 of 4 stars; one submission).

gnomAD v4.1: 150 of 237,900 alleles (0.063%); highest among the groups gnomAD compares: African/African-American, 0.26%; 1 homozygote.

Submission:

Dasa
Classification: Uncertain significance. Last evaluated: 2026-03-18. Review status: criteria provided, single submitter. Criteria: DASA Assertion Criteria. Collection method: clinical testing. Allele origin: germline.
Comment: NM_020975.6(RET):c.*1274G>C is a sequence variant. This classification is supported by population frequency inconsistent with a disease-causing role. The currently available literature and clinical evidence are not sufficient to establish a definitive association between this variant and the reported condition. Therefore, this variant is classified as a variant of uncertain significance.